The following is an entry in ClinVar:

NM_000179.3(MSH6):c.1_260del (p.Met1fs)

Genes: MSH6 (mutS homolog 6; plus strand), LOC129933707 (ATAC-STARR-seq lymphoblastoid silent region 11468; plus strand). Cytogenetic location: 2p16.3.
Variant type: Deletion.
Coding change: c.1_260del on transcript NM_000179.3 (MANE Select); coding-DNA positions 1 to 260, 260 bases deleted.
Protein change: p.Met1fs; shifts the reading frame from methionine 1.
Molecular consequence: frameshift variant, initiator codon variant. On other transcripts: 5 prime UTR variant (7), non-coding transcript variant (5), intron variant (5), splice donor variant (2).
Genome position (GRCh38, 1-based): chr2:47,783,234-47,783,493, 260 bases deleted. GRCh37 (hg19): chr2:48,010,373-48,010,632.
Other names: c.-736_-477del (NM_001281493.2, NM_001406811.1); c.1_260del, p.Met1fs (NM_001406795.1, NM_001406796.1, NM_001406798.1 and 8 more transcripts); c.-328_-69del (NM_001406799.1); c.-928_-669del (NM_001406807.1); c.-583_-324del (NM_001406812.1); c.-994_-735del (NM_001406814.1); c.-539_-280del (NM_001406816.1); c.-38+3_-38+262del (NM_001406805.1, NM_001406797.1, NM_001406801.1); and 4 more; short protein forms M1fs.
Identifiers: ClinVar variation 3602784 (VCV003602784.2).

ClinVar aggregate classification (germline): Likely pathogenic (1 of 4 stars; one submission).

Conditions:
Lynch syndrome. Identifiers: Orphanet 144, MedGen C4552100, MONDO:0005835. Disease mechanism: loss of function.

Submission:

Department of Clinical Genetics, Copenhagen University Hospital, Rigshospitalet
Classification: Likely pathogenic for Lynch syndrome. Last evaluated: 2025-02-04. Review status: criteria provided, single submitter. Criteria: ACMG Guidelines, 2015. Collection method: clinical testing. Allele origin: germline.
Comment: PVS1; PM2_SUP